The following is an entry in ClinVar:

NM_020987.5(ANK3):c.4029G>A (p.Glu1343=)

Gene: ANK3 (ankyrin 3; minus strand). Cytogenetic location: 10q21.2.
Variant type: single nucleotide variant.
Coding change: c.4029G>A on transcript NM_020987.5 (MANE Select); coding-DNA position 4029, G replaced by A.
Protein change: p.Glu1343=; no amino-acid change (glutamic acid 1343 retained).
Molecular consequence: synonymous variant.
Genome position (GRCh38, 1-based): chr10:60,084,647, C>T on the plus strand (G>A on the coding strand, the complement: ANK3 is on the minus strand). VCF-style: chr10-60084647-C-T. GRCh37 (hg19) VCF-style: chr10-61844405-C-T.
Other names: c.1431G>A, p.Glu477= (NM_001149.4); c.4011G>A, p.Glu1337= (NM_001204403.2); c.4032G>A, p.Glu1344= (NM_001204404.2); c.4029G>A, p.Glu1343= (NM_001320874.2).
Identifiers: ClinVar variation 210158 (VCV000210158.38), dbSNP rs116757606, ClinGen allele CA208701.

ClinVar aggregate classification (germline): Conflicting classifications of pathogenicity. Review status: criteria provided, conflicting classifications (1 of 4 stars). 4 submissions from 4 submitters: Uncertain significance (1); Benign (1); Likely benign (1). 1 of the submissions does not count toward it. Last evaluated 2025-06-17.

Conditions:
ANK3-related disorder. Also called: ANK3-related condition.

Allele frequency attached by ClinVar (database versions not stated): gnomAD exomes 0.00012 and 0.00032; ExAC 0.00037; gnomAD 0.00104 and 0.00114; TOPMed 0.00128; ESP Exome Variant Server 0.00146; 1000 Genomes Project 30x 0.00156; 1000 Genomes Project 0.00160.
gnomAD v4.1: 334 of 1,613,858 alleles (0.021%); highest among the groups gnomAD compares: African/African-American, 0.39%; 1 homozygote.

Submissions (4):

Labcorp Genetics (formerly Invitae), Labcorp
Classification: Benign. Last evaluated: 2025-06-17. Review status: criteria provided, single submitter. Criteria: Invitae Variant Classification Sherloc (09022015). Collection method: clinical testing. Allele origin: germline.

CeGaT Center for Human Genetics Tuebingen
Classification: Likely benign. Last evaluated: 2022-09-01. Review status: criteria provided, single submitter. Criteria: CeGaT Center For Human Genetics Tuebingen Variant Classification Criteria Version 2. Collection method: clinical testing. Allele origin: germline. Affected: yes. Observed: 1 variant allele.
Comment: ANK3: BP4, BP7

Genetic Services Laboratory, University of Chicago
Classification: Uncertain significance. Last evaluated: 2015-08-05. Review status: criteria provided, single submitter. Criteria: ACMG Guidelines, 2015. Collection method: clinical testing. Allele origin: germline.

PreventionGenetics, part of Exact Sciences
Classification: Likely benign for ANK3-related condition. Last evaluated: 2024-04-19. Review status: no assertion criteria provided. Collection method: clinical testing. Allele origin: germline. Not counted in ClinVar's aggregate classification.
Comment: This variant is classified as likely benign based on ACMG/AMP sequence variant interpretation guidelines (Richards et al. 2015 PMID: 25741868, with internal and published modifications).